The following is an entry in ClinVar:

NM_002386.4(MC1R):c.767C>T (p.Pro256Leu)

Gene: MC1R (melanocortin 1 receptor; plus strand). Cytogenetic location: 16q24.3.
Variant type: single nucleotide variant.
Coding change: c.767C>T on transcript NM_002386.4 (MANE Select); coding-DNA position 767, C replaced by T.
Protein change: p.Pro256Leu; replaces proline 256 with leucine.
Molecular consequence: missense variant.
Genome position (GRCh38, 1-based): chr16:89,920,025, C>T. VCF-style: chr16-89920025-C-T. GRCh37 (hg19) VCF-style: chr16-89986433-C-T.
Other names: short protein forms P256L.
Identifiers: ClinVar variation 4824158 (VCV004824158.1).

ClinVar aggregate classification (germline): Uncertain significance (1 of 4 stars; one submission).

Submission:

Ambry Genetics
Classification: Uncertain significance. Last evaluated: 2026-02-22. Review status: criteria provided, single submitter. Criteria: Ambry Variant Classification Scheme 2023. Collection method: clinical testing. Allele origin: germline.
Comment: The p.P256L variant (also known as c.767C>T), located in coding exon 1 of the MC1R gene, results from a C to T substitution at nucleotide position 767. The proline at codon 256 is replaced by leucine, an amino acid with similar properties. This amino acid position is conserved. In addition, this alteration is predicted to be deleterious by in silico analysis. Based on the available evidence, the clinical significance of this variant remains unclear.